The following is an entry in ClinVar:

NM_001077365.2(POMT1):c.1698+48C>G

Gene: POMT1 (protein O-mannosyltransferase 1; plus strand). Cytogenetic location: 9q34.13.
Variant type: single nucleotide variant.
Coding change: c.1698+48C>G on transcript NM_001077365.2 (MANE Select); 48 bases into the intron after coding-DNA position 1698, C replaced by G.
Molecular consequence: intron variant.
Genome position (GRCh38, 1-based): chr9:131,520,241, C>G. VCF-style: chr9-131520241-C-G. GRCh37 (hg19) VCF-style: chr9-134395628-C-G.
Other names: c.1602+48C>G (NM_001353198.2, NM_001353197.2); c.1764+48C>G (NM_001353193.2, NM_007171.4); c.1698+48C>G (NM_001136113.2); c.1536+48C>G (NM_001353194.2, NM_001077366.2); c.1347+48C>G (NM_001374691.1, NM_001353195.2, NM_001374692.1 and 2 more transcripts); c.1479+48C>G (NM_001374690.1); c.1608+48C>G (NM_001353196.2); c.1308+48C>G (NM_001374695.1); and 3 more.
Identifiers: ClinVar variation 260142 (VCV000260142.5), dbSNP rs2277152, ClinGen allele CA5293791.

ClinVar aggregate classification (germline): Benign. Review status: criteria provided, multiple submitters, no conflicts (2 of 4 stars). 6 submissions from 4 submitters: Benign (6). Last evaluated 2021-10-25.

Conditions:
Muscular dystrophy-dystroglycanopathy (congenital with brain and eye anomalies), type A1 (MDDGA1). Also called: WALKER-WARBURG SYNDROME OR MUSCLE-EYE-BRAIN DISEASE, POMT1-RELATED; Hydrocephalus, agyria and retinal dysplasia; Hard +/- E syndrome; Warburg syndrome; Chemke syndrome; Pagon syndrome. Identifiers: Orphanet 588, Orphanet 899, MedGen C4284790, MONDO:0009364, OMIM 236670.
Autosomal recessive limb-girdle muscular dystrophy type 2K. Also called: MUSCULAR DYSTROPHY-DYSTROGLYCANOPATHY (LIMB-GIRDLE), TYPE C, 1; MUSCULAR DYSTROPHY, LIMB-GIRDLE, TYPE 2K. Identifiers: Orphanet 86812, MedGen C1836373, MONDO:0012248, OMIM 609308.
Muscular dystrophy-dystroglycanopathy (congenital with impaired intellectual development), type B, 1. Also called: Muscular dystrophy-dystroglycanopathy (congenital with intellectual disability), type B1; MUSCULAR DYSTROPHY, CONGENITAL, POMT1-RELATED. Identifiers: MedGen C5436962, MONDO:0013159, OMIM 613155.

Allele frequency attached by ClinVar (database versions not stated): 1000 Genomes Project 30x 0.82511; TOPMed 0.82908; 1000 Genomes Project 0.83147; gnomAD 0.84050 and 0.84713; ESP Exome Variant Server 0.84107; ExAC 0.90084; gnomAD exomes 0.90212.
gnomAD v4.1: 1,376,902 of 1,494,726 alleles (92%); highest among the groups gnomAD compares: South Asian, 96%; 637,871 homozygotes.

Submissions (6):

Genome-Nilou Lab
Classification: Benign for Muscular dystrophy-dystroglycanopathy (congenital with brain and eye anomalies), type A1. Last evaluated: 2021-10-25. Review status: criteria provided, single submitter. Criteria: ACMG Guidelines, 2015. Collection method: clinical testing. Allele origin: germline. Affected: no.

Genome-Nilou Lab
Classification: Benign for Muscular dystrophy-dystroglycanopathy (congenital with impaired intellectual development), type B, 1. Last evaluated: 2021-10-25. Review status: criteria provided, single submitter. Criteria: ACMG Guidelines, 2015. Collection method: clinical testing. Allele origin: germline. Affected: no.

Genome-Nilou Lab
Classification: Benign for Autosomal recessive limb-girdle muscular dystrophy type 2K. Last evaluated: 2021-10-25. Review status: criteria provided, single submitter. Criteria: ACMG Guidelines, 2015. Collection method: clinical testing. Allele origin: germline. Affected: no.

GeneDx
Classification: Benign. Last evaluated: 2018-06-14. Review status: criteria provided, single submitter. Criteria: GeneDx Variant Classification (06012015). Collection method: clinical testing. Allele origin: germline. Affected: yes.
Comment: This variant is considered likely benign or benign based on one or more of the following criteria: it is a conservative change, it occurs at a poorly conserved position in the protein, it is predicted to be benign by multiple in silico algorithms, and/or has population frequency not consistent with disease.

Breakthrough Genomics
Classification: Benign. Review status: criteria provided, single submitter. Criteria: ACMG Guidelines, 2015. Collection method: not provided. Allele origin: germline. Inheritance: Autosomal recessive inheritance. Affected: yes.

PreventionGenetics, part of Exact Sciences
Classification: Benign. Review status: criteria provided, single submitter. Criteria: ACMG Guidelines, 2015. Collection method: clinical testing. Allele origin: germline.